The following is an entry in ClinVar:

ClinVar aggregate classification (germline): Benign/Likely benign. Review status: criteria provided, multiple submitters, no conflicts (2 of 4 stars). 5 submissions from 5 submitters: Benign (2); Likely benign (1). 2 of the submissions do not count toward it. Last evaluated 2026-01-29.

Conditions:
Mitochondrial neurogastrointestinal encephalomyopathy. Also called: Mitochondrial neurogastrointestinal encephalopathy syndrome; MNGIE syndrome; Thymidine phosphorylase deficiency. Identifiers: Orphanet 298, MedGen C0872218, MONDO:0017575.

Allele frequency attached by ClinVar (database versions not stated): ESP Exome Variant Server 0.00038; 1000 Genomes Project 30x 0.00062; TOPMed 0.00076; 1000 Genomes Project 0.00080; gnomAD exomes 0.00139 and 0.00266; gnomAD 0.00208 and 0.00222; ExAC 0.00262.

Submissions (5):

Labcorp Genetics (formerly Invitae), Labcorp
Classification: Benign. Last evaluated: 2026-01-29. Review status: criteria provided, single submitter. Criteria: Invitae Variant Classification Sherloc (09022015). Collection method: clinical testing. Allele origin: germline.

CeGaT Center for Human Genetics Tuebingen
Classification: Likely benign. Last evaluated: 2023-12-01. Review status: criteria provided, single submitter. Criteria: CeGaT Center For Human Genetics Tuebingen Variant Classification Criteria Version 2. Collection method: clinical testing. Allele origin: germline. Affected: yes. Observed: 6 variant alleles.
Comment: TYMP: BP4, BP7

GeneDx
Classification: Benign. Last evaluated: 2014-06-13. Review status: criteria provided, single submitter. Criteria: GeneDx Variant Classification (06012015). Collection method: clinical testing. Allele origin: germline. Affected: yes.
Comment: This variant is considered likely benign or benign based on one or more of the following criteria: it is a conservative change, it occurs at a poorly conserved position in the protein, it is predicted to be benign by multiple in silico algorithms, and/or has population frequency not consistent with disease.

Natera, Inc.
Classification: Benign for Mitochondrial neurogastrointestinal encephalomyopathy. Last evaluated: 2019-12-30. Review status: no assertion criteria provided. Collection method: clinical testing. Allele origin: germline. Not counted in ClinVar's aggregate classification.

Mayo Clinic Laboratories, Mayo Clinic
Classification: Likely benign. Last evaluated: 2016-02-23. Review status: no assertion criteria provided. Collection method: clinical testing. Allele origin: unknown. Not counted in ClinVar's aggregate classification.

NM_001953.5(TYMP):c.735G>A (p.Gln245=)

Gene: TYMP (thymidine phosphorylase; minus strand). Cytogenetic location: 22q13.33.
Variant type: single nucleotide variant.
Coding change: c.735G>A on transcript NM_001953.5 (MANE Select); coding-DNA position 735, G replaced by A.
Protein change: p.Gln245=; no amino-acid change (glutamine 245 retained).
Molecular consequence: synonymous variant.
Genome position (GRCh38, 1-based): chr22:50,527,195, C>T on the plus strand (G>A on the coding strand, the complement: TYMP is on the minus strand). VCF-style: chr22-50527195-C-T. GRCh37 (hg19) VCF-style: chr22-50965624-C-T.
Other names: c.735G>A, p.Gln245= (LRG_727t2, LRG_727t1, NM_001113755.3 and 3 more transcripts).
Identifiers: ClinVar variation 215321 (VCV000215321.54), dbSNP rs139223629, ClinGen allele CA324162.